The following is an entry in ClinVar:

NM_001369.3(DNAH5):c.6473T>G (p.Ile2158Ser)

Gene: DNAH5 (dynein axonemal heavy chain 5; minus strand). Cytogenetic location: 5p15.2.
Variant type: single nucleotide variant.
Coding change: c.6473T>G on transcript NM_001369.3 (MANE Select); coding-DNA position 6473, T replaced by G.
Protein change: p.Ile2158Ser; replaces isoleucine 2158 with serine.
Molecular consequence: missense variant.
Genome position (GRCh38, 1-based): chr5:13,824,305, A>C on the plus strand (T>G on the coding strand, the complement: DNAH5 is on the minus strand). VCF-style: chr5-13824305-A-C. GRCh37 (hg19) VCF-style: chr5-13824414-A-C.
Other names: short protein forms I2158S.
Identifiers: ClinVar variation 1753722 (VCV001753722.2), dbSNP rs2546858432, ClinGen allele CA359197873.

ClinVar aggregate classification (germline): Uncertain significance (1 of 4 stars; one submission).

Conditions:
Primary ciliary dyskinesia. Also called: Ciliary dyskinesia. Identifiers: Orphanet 244, MedGen C0008780, MONDO:0016575, HP:0012265.

Submission:

Ambry Genetics
Classification: Uncertain significance for Primary ciliary dyskinesia. Last evaluated: 2021-06-16. Review status: criteria provided, single submitter. Criteria: Ambry Variant Classification Scheme 2023. Collection method: clinical testing. Allele origin: germline.
Comment: The p.I2158S variant (also known as c.6473T>G), located in coding exon 39 of the DNAH5 gene, results from a T to G substitution at nucleotide position 6473. The isoleucine at codon 2158 is replaced by serine, an amino acid with dissimilar properties. This amino acid position is highly conserved in available vertebrate species. In addition, this alteration is predicted to be deleterious by in silico analysis. Since supporting evidence is limited at this time, the clinical significance of this alteration remains unclear.